The following is an entry in ClinVar:

NC_000022.10:g.(?_32198670)_(32202197_?)del

Gene: DEPDC5 (DEP domain containing 5, GATOR1 subcomplex subunit; plus strand). Cytogenetic location: 22q12.2-12.3.
Variant type: Deletion.
Identifiers: ClinVar variation 3247840 (VCV003247840.1).

ClinVar aggregate classification (germline): Pathogenic (1 of 4 stars; one submission).

Conditions:
Familial focal epilepsy with variable foci (FPEVF). Identifiers: Orphanet 98820, MedGen C1858477, MONDO:0020310.

Submission:

Labcorp Genetics (formerly Invitae), Labcorp
Classification: Pathogenic for Familial focal epilepsy with variable foci. Last evaluated: 2022-12-14. Review status: criteria provided, single submitter. Criteria: Invitae Variant Classification Sherloc (09022015). Collection method: clinical testing. Allele origin: unknown.
Comment: For these reasons, this variant has been classified as Pathogenic. This variant has not been reported in the literature in individuals affected with DEPDC5-related conditions. This variant is a gross deletion of the genomic region encompassing exon(s) 15-18 of the DEPDC5 gene. This deletion is out-of-frame, and is expected to create a premature termination codon and result in an absent or disrupted protein product. Loss-of-function variants in DEPDC5 are known to be pathogenic (PMID: 23542697, 23542701).

Literature cited by the submitters: PubMed 23542697; PubMed 23542701.